The following is an entry in ClinVar:

ClinVar aggregate classification (germline): Pathogenic (1 of 4 stars; one submission).

Conditions:
Hereditary cancer-predisposing syndrome. Also called: Neoplastic Syndromes, Hereditary; Tumor predisposition; Hereditary neoplastic syndrome; Hereditary Cancer Syndrome. Identifiers: Orphanet 140162, MedGen C0027672, MeSH D009386, MONDO:0015356.

Submission:

Molecular Diagnostics Laboratory, Catalan Institute of Oncology
Classification: Pathogenic for Hereditary cancer-predisposing syndrome. Last evaluated: 2025-04-07. Review status: criteria provided, single submitter. Criteria: ClinGen ACMG Specifications ATM V1.1.0. Collection method: clinical testing. Allele origin: germline.
Comment: PVS1, PM2_Supporting, PM5_Supporting c.6167_6170dup, located in exon 42 of the ATM gene, consists in the deletion of four nucleotides, causing a translational frameshift with a predicted alternate stop codon, p.(Ser2058Leufs*31). This alteration is expected to result in loss of function by premature protein truncation and nonsense-mediated mRNA decay (PVS1, PM5_Supporting). It is not present in the population database gnomAD v2.1.1, non cancer dataset (PM2_Supporting). The SpliceAI algorithm predicts no significant impact on splicing. To our knowledge, functional studies have not been reported for this variant. In addition, it has not been reported neither in ClinVar nor LOVD databases. Based on currently available information, the variant c.6167_6170dup is classified as a pathogenic variant according to ClinGen-ATM Guidelines version v1.1.

NM_000051.4(ATM):c.6167_6170dup (p.Ser2058fs)

Genes: ATM (ATM serine/threonine kinase; plus strand), C11orf65 (chromosome 11 open reading frame 65; minus strand). Cytogenetic location: 11q22.3.
Variant type: Duplication.
Coding change: c.6167_6170dup on transcript NM_000051.4 (MANE Select); coding-DNA positions 6167 to 6170, 4 bases duplicated (CCTC; older notation c.6167_6170dupCCTC).
Protein change: p.Ser2058fs; shifts the reading frame from serine 2058.
Molecular consequence: frameshift variant. On other transcripts: intron variant (2).
Genome position (GRCh38, 1-based): chr11:108,316,082-108,316,085, CCTC duplicated; duplicating any 4 consecutive bases within chr11:108,316,081-108,316,085 gives the same sequence; the c. name uses the placement nearest the transcript's 3' end. VCF-style (leftmost placement, unchanged base first): chr11-108316080-C-CCCCT. GRCh37 (hg19) VCF-style: chr11-108186807-C-CCCCT.
Other names: c.6167_6170dup, p.Ser2058fs (NM_001351834.2); c.641-7013_641-7010dup (NM_001330368.2); c.*39-7013_*39-7010dup (NM_001351110.2); short protein forms S2058fs.
Identifiers: ClinVar variation 4082319 (VCV004082319.1).
Genomic context (GRCh38, chr11:108,316,080, plus strand): 5'-ATATGAACACGAAGCAATGTGGGGCAAAGCCCTAGTAACATATGACCTCGAAACAGCAAT[C>CCCCT]CCCTCATCAACACGCCAGGCAGGAATCATTCAGGTACATTTTTTCCCAGATTTGGTAAAG-3'